The following is an entry in ClinVar:

ClinVar aggregate classification (germline): Uncertain significance (1 of 4 stars; one submission).

Allele frequency attached by ClinVar (database versions not stated): gnomAD exomes 0.00002 and 0.00007; ExAC 0.00009.
gnomAD v4.1: 16 of 1,613,660 alleles (0.00099%); highest among the groups gnomAD compares: Admixed American, 0.023%; no homozygotes.

Submission:

Labcorp Genetics (formerly Invitae), Labcorp
Classification: Uncertain significance. Last evaluated: 2024-02-23. Review status: criteria provided, single submitter. Criteria: Invitae Variant Classification Sherloc (09022015). Collection method: clinical testing. Allele origin: germline.
Comment: This sequence change replaces glutamic acid, which is acidic and polar, with aspartic acid, which is acidic and polar, at codon 591 of the CFH protein (p.Glu591Asp). This variant is present in population databases (rs762648063, gnomAD 0.03%). This variant has not been reported in the literature in individuals affected with CFH-related conditions. ClinVar contains an entry for this variant (Variation ID: 1385598). Algorithms developed to predict the effect of missense changes on protein structure and function output the following: SIFT: "Not Available"; PolyPhen-2: "Benign"; Align-GVGD: "Not Available". The aspartic acid amino acid residue is found in multiple mammalian species, which suggests that this missense change does not adversely affect protein function. In summary, the available evidence is currently insufficient to determine the role of this variant in disease. Therefore, it has been classified as a Variant of Uncertain Significance.

NM_000186.4(CFH):c.1773G>C (p.Glu591Asp)

Gene: CFH (complement factor H; plus strand). Cytogenetic location: 1q31.3.
Variant type: single nucleotide variant.
Coding change: c.1773G>C on transcript NM_000186.4 (MANE Select); coding-DNA position 1773, G replaced by C.
Protein change: p.Glu591Asp; replaces glutamic acid 591 with aspartic acid.
Molecular consequence: missense variant.
Genome position (GRCh38, 1-based): chr1:196,725,197, G>C. VCF-style: chr1-196725197-G-C. GRCh37 (hg19) VCF-style: chr1-196694327-G-C.
Other names: short protein forms E591D.
Identifiers: ClinVar variation 1385598 (VCV001385598.6), dbSNP rs762648063, ClinGen allele CA1305479.